The following is an entry in ClinVar:

NM_138383.3(MTSS2):c.992T>C (p.Val331Ala)

Gene: MTSS2 (MTSS I-BAR domain containing 2; minus strand). Cytogenetic location: 16q22.1.
Variant type: single nucleotide variant.
Coding change: c.992T>C on transcript NM_138383.3 (MANE Select); coding-DNA position 992, T replaced by C.
Protein change: p.Val331Ala; replaces valine 331 with alanine.
Molecular consequence: missense variant.
Genome position (GRCh38, 1-based): chr16:70,674,367, A>G on the plus strand (T>C on the coding strand, the complement: MTSS2 is on the minus strand). VCF-style: chr16-70674367-A-G. GRCh37 (hg19) VCF-style: chr16-70708270-A-G.
Other names: short protein forms V331A.
Identifiers: ClinVar variation 3731197 (VCV003731197.1).

ClinVar aggregate classification (germline): Uncertain significance (1 of 4 stars; one submission).

Submission:

GeneDx
Classification: Uncertain significance. Last evaluated: 2024-08-13. Review status: criteria provided, single submitter. Criteria: GeneDx Variant Classification Process June 2021. Collection method: clinical testing. Allele origin: germline. Affected: yes.
Comment: Not observed at significant frequency in large population cohorts (gnomAD); In silico analysis indicates that this missense variant does not alter protein structure/function; Has not been previously published as pathogenic or benign to our knowledge